The following is an entry in ClinVar:

ClinVar aggregate classification (germline): Uncertain significance. Review status: criteria provided, multiple submitters, no conflicts (2 of 4 stars). 3 submissions from 3 submitters: Uncertain significance (3). Last evaluated 2025-01-09.

Conditions:
Bardet-Biedl syndrome 12 (BBS12). Identifiers: Orphanet 110, MedGen C1859570, MONDO:0014440, OMIM 615989.
BBS12-related disorder. Also called: BBS12-related condition.
Bardet-Biedl syndrome (BBS). Identifiers: Orphanet 110, MedGen C0752166, MONDO:0015229.

gnomAD v4.1: 1 of 1,613,746 alleles (0.000062%); highest among the groups gnomAD compares: African/African-American, 0.0013%; no homozygotes.

Submissions (3):

PreventionGenetics, part of Exact Sciences
Classification: Uncertain significance for BBS12-related condition. Last evaluated: 2025-01-09. Review status: criteria provided, single submitter. Criteria: ACMG Guidelines, 2015. Collection method: clinical testing. Allele origin: germline.
Comment: The BBS12 c.400G>T variant is predicted to result in the amino acid substitution p.Val134Phe. To our knowledge, this variant has not been reported in the literature or in a large population database (gnomAD), indicating this variant is rare. At this time, the clinical significance of this variant is uncertain due to the absence of conclusive functional and genetic evidence.

Labcorp Genetics (formerly Invitae), Labcorp
Classification: Uncertain significance for Bardet-Biedl syndrome. Last evaluated: 2022-03-19. Review status: criteria provided, single submitter. Criteria: Invitae Variant Classification Sherloc (09022015). Collection method: clinical testing. Allele origin: germline.
Comment: This sequence change replaces valine, which is neutral and non-polar, with phenylalanine, which is neutral and non-polar, at codon 134 of the BBS12 protein (p.Val134Phe). This variant is not present in population databases (gnomAD no frequency). This variant has not been reported in the literature in individuals affected with BBS12-related conditions. Algorithms developed to predict the effect of missense changes on protein structure and function are either unavailable or do not agree on the potential impact of this missense change (SIFT: "Deleterious"; PolyPhen-2: "Possibly Damaging"; Align-GVGD: "Class C0"). In summary, the available evidence is currently insufficient to determine the role of this variant in disease. Therefore, it has been classified as a Variant of Uncertain Significance.

Fulgent Genetics
Classification: Uncertain significance for Bardet-Biedl syndrome 12. Last evaluated: 2021-09-20. Review status: criteria provided, single submitter. Criteria: ACMG Guidelines, 2015. Collection method: clinical testing. Allele origin: unknown.

NM_152618.3(BBS12):c.400G>T (p.Val134Phe)

Gene: BBS12 (Bardet-Biedl syndrome 12; plus strand). Cytogenetic location: 4q27.
Variant type: single nucleotide variant.
Coding change: c.400G>T on transcript NM_152618.3 (MANE Select); coding-DNA position 400, G replaced by T.
Protein change: p.Val134Phe; replaces valine 134 with phenylalanine.
Molecular consequence: missense variant.
Genome position (GRCh38, 1-based): chr4:122,742,292, G>T. VCF-style: chr4-122742292-G-T. GRCh37 (hg19) VCF-style: chr4-123663447-G-T.
Other names: c.400G>T, p.Val134Phe (NM_001178007.2); c.400G>T (NM_152618.2); short protein forms V134F.
Identifiers: ClinVar variation 1499725 (VCV001499725.8), dbSNP rs1467415217, ClinGen allele CA358222838.